The following is an entry in ClinVar:

NM_001375834.1(WIPF1):c.16C>G (p.Pro6Ala)

Genes: WIPF1 (WAS/WASL interacting protein family member 1; minus strand), WIPF1-AS1 (WIPF1 and CHRNA1 antisense RNA 1; plus strand). Cytogenetic location: 2q31.1.
Variant type: single nucleotide variant.
Coding change: c.16C>G on transcript NM_001375834.1 (MANE Select); coding-DNA position 16, C replaced by G.
Protein change: p.Pro6Ala; replaces proline 6 with alanine.
Molecular consequence: missense variant.
Genome position (GRCh38, 1-based): chr2:174,585,558, G>C on the plus strand (C>G on the coding strand, the complement: WIPF1 is on the minus strand). VCF-style: chr2-174585558-G-C. GRCh37 (hg19) VCF-style: chr2-175450286-G-C.
Other names: c.16C>G, p.Pro6Ala (NM_001375835.1, NM_001375836.1, NM_001375837.1 and 6 more transcripts); short protein forms P6A.
Identifiers: ClinVar variation 3630687 (VCV003630687.2).
Genomic context (GRCh38, chr2:174,585,558, plus strand): 5'-AAGTGTTTGGGGAGGAGACACTCACCAGTGCAAACGTCGGGGGCGGCGGGGGTGCTGGAG[G>C]GGGAGGGACAGGCATCTTGGGCAGTTATGCGTTCAACAGTCTTGCTGATAAATCTGGAAA-3'
Protein context (NP_001362763.1, residues 1-16): MPVPP[Pro6Ala]PAPPPPPTFA

ClinVar aggregate classification (germline): Uncertain significance (1 of 4 stars; one submission).

Conditions:
Wiskott-Aldrich syndrome 2 (WAS2). Also called: WIPF1 DEFICIENCY. Identifiers: Orphanet 906, MedGen C3281001, MONDO:0013779, OMIM 614493.

Submission:

Labcorp Genetics (formerly Invitae), Labcorp
Classification: Uncertain significance for Wiskott-Aldrich syndrome 2. Last evaluated: 2024-06-12. Review status: criteria provided, single submitter. Criteria: Invitae Variant Classification Sherloc (09022015). Collection method: clinical testing. Allele origin: germline.
Comment: This sequence change replaces proline, which is neutral and non-polar, with alanine, which is neutral and non-polar, at codon 6 of the WIPF1 protein (p.Pro6Ala). This variant is present in population databases (rs200376655, gnomAD 0.006%). This variant has not been reported in the literature in individuals affected with WIPF1-related conditions. Experimental studies and prediction algorithms are not available or were not evaluated, and the functional significance of this variant is currently unknown. In summary, the available evidence is currently insufficient to determine the role of this variant in disease. Therefore, it has been classified as a Variant of Uncertain Significance.